The following is an entry in ClinVar:

ClinVar aggregate classification (germline): drug response. Review status: reviewed by expert panel (3 of 4 stars). 18 submissions from 15 submitters: drug response (4). 14 of the submissions do not count toward it. Last evaluated 2021-05-26.

Conditions:
DPYD-related disorders.
Inborn genetic diseases. Identifiers: MedGen C0950123, MeSH D030342.
Dihydropyrimidine dehydrogenase deficiency (DPYDD). Also called: DPD DEFICIENCY; DPYD DEFICIENCY; Hereditary Thymine-Uraciluria. Identifiers: Orphanet 1675, MedGen C1959620, MONDO:0010130, OMIM 274270.
fluorouracil response - Other.
tegafur response - Toxicity.
capecitabine response - Toxicity.
fluorouracil response - Toxicity.

Allele frequency attached by ClinVar (database versions not stated): 1000 Genomes Project 0.00020; 1000 Genomes Project 30x 0.00031; gnomAD exomes 0.00032 and 0.00068; TOPMed 0.00032; ExAC 0.00035; ESP Exome Variant Server 0.00038; gnomAD 0.00040.
gnomAD v4.1: 1,056 of 1,612,998 alleles (0.065%); highest among the groups gnomAD compares: Non-Finnish European, 0.084%; no homozygotes.

Submissions 1 to 7 of 18:

ClinPGx
Classification: drug response for tegafur response - Toxicity. Last evaluated: 2021-05-26. Review status: reviewed by expert panel. Criteria: Pharmacogenomics knowledge for personalized medicine. Collection method: curation. Allele origin: germline. Affected: yes.
Comment: PharmGKB Level of Evidence 1A: Level 1A clinical annotations describe variant-drug combinations that have variant-specific prescribing guidance available in a current clinical guideline annotation or an FDA-approved drug label annotation. Annotations of drug labels or clinical guidelines must give prescribing guidance for specific variants (e.g. CYP2C9*3, HLA-B*57:01) or provide mapping from defined allele functions to diplotypes and phenotypes to be used as supporting evidence for a level 1A clinical annotation. Level 1A clinical annotations must also be supported by at least one publication in addition to a clinical guideline or drug label with variant-specific prescribing guidance.

Drug is not necessarily used to treat response condition

ClinPGx
Classification: drug response for fluorouracil response - Toxicity. Last evaluated: 2021-05-24. Review status: reviewed by expert panel. Criteria: Pharmacogenomics knowledge for personalized medicine. Collection method: curation. Allele origin: germline. Affected: yes.
Comment: the same text as in the submission from ClinPGx above.

ClinPGx
Classification: drug response for capecitabine response - Toxicity. Last evaluated: 2021-05-24. Review status: reviewed by expert panel. Criteria: Pharmacogenomics knowledge for personalized medicine. Collection method: curation. Allele origin: germline. Affected: yes.
Comment: the same text as in the submission from ClinPGx above.

ClinPGx
Classification: drug response for fluorouracil response - Other. Last evaluated: 2021-05-24. Review status: reviewed by expert panel. Criteria: Pharmacogenomics knowledge for personalized medicine. Collection method: curation. Allele origin: germline. Affected: yes.
Comment: PharmGKB Level of Evidence 1A: Level 1A clinical annotations describe variant-drug combinations that have variant-specific prescribing guidance available in a current clinical guideline annotation or an FDA-approved drug label annotation. Annotations of drug labels or clinical guidelines must give prescribing guidance for specific variants (e.g. CYP2C9*3, HLA-B*57:01) or provide mapping from defined allele functions to diplotypes and phenotypes to be used as supporting evidence for a level 1A clinical annotation. Level 1A clinical annotations must also be supported by at least one publication in addition to a clinical guideline or drug label with variant-specific prescribing guidance.

Victorian Clinical Genetics Services, Murdoch Childrens Research Institute
Classification: Pathogenic for Dihydropyrimidine dehydrogenase deficiency. Last evaluated: 2025-10-16. Review status: criteria provided, single submitter. Criteria: ACMG Guidelines, 2015. Collection method: clinical testing. Allele origin: germline. Affected: yes. Not counted in ClinVar's aggregate classification.
Comment: This variant is classified as Pathogenic. Evidence in support of pathogenic classification: Variant is present in gnomAD <0.01 for a recessive condition (v2: 88 heterozygotes, 0 homozygotes); This variant has very strong previous evidence of pathogenicity in unrelated individuals (ClinVar, LOVD, PMIDs: 11895907, 11783493, 26603945). - This variant has moderate functional evidence supporting abnormal protein function. Functional studies show up to a 75% reduction in activity relative to wild-type (PMIDs: 23328581, 29152729). Additional information: Variant is predicted to result in a missense amino acid change from isoleucine to serine; This variant is heterozygous; This gene is known to be associated with autosomal recessive disease. However, heterozygous variants may result in a reduction in dihydropyrimidine dehydrogenase activity and 5-fluorouracil toxicity (PMIDs: 29152729, 26265346). As DPYD variants that result in reduced enzyme function place individuals at risk of fluoropyrimidine toxicity, formal pharmocogenomic studies are recommended prior to treatment with fluoropyrimidine chemotherapy (5-fluorouracil or capecitabine); An alternative amino acid change at the same position has been observed in gnomAD (v2) (1 heterozygote, 0 homozygotes); Variant is located in the annotated dihydroorotate dehydrogenase domain (DECIPHER); Missense variant with conflicting in silico predictions and uninformative conservation; Loss of function is a known mechanism of disease in this gene and is associated with dihydropyrimidine dehydrogenase deficiency and 5-fluorouracil toxicity (MIM#274270); Variants in this gene are known to have variable expressivity (PMID: 11783493).

Women's Health and Genetics/Laboratory Corporation of America, LabCorp
Classification: Pathogenic for Dihydropyrimidine dehydrogenase deficiency. Last evaluated: 2025-09-11. Review status: criteria provided, single submitter. Criteria: LabCorp Variant Classification Summary - May 2015. Collection method: clinical testing. Allele origin: germline. Not counted in ClinVar's aggregate classification.
Comment: Variant summary: DPYD c.1679T>G (p.Ile560Ser) results in a non-conservative amino acid change located in the dihydroorotate dehydrogenase domain (IPR005720) of the encoded protein sequence. Algorithms developed to predict the effect of missense changes on protein structure and function are either unavailable or do not agree on the potential impact of this missense change. The variant allele was found at a frequency of 0.00032 in 250646 control chromosomes. This frequency is not significantly higher than estimated for disease-causing variants in DPYD, allowing no conclusion about variant significance. The variant, c.1679T>G (also described as DPYD*13), has been reported in the literature in a compound heterozygous individual affected with childhood onset Dihydropyrimidine Dehydrogenase Deficiency (van Kuilenburg 2002), and in other compound heterozygous individuals who had severe 5-fluorouracil toxicity following chemotherapy, but not other clinical symptoms or abnormalities were noted (Johnson_2002, Thomas_2015). In addition, the variant was also reported in several heterozygous individuals affected with 5-fluorouracil toxicity following chemotherapy (see e.g. Thomas_2015), and a meta-analysis found that the variant in heterozygosity was significantly associated with fluoropyrimidine-associated toxicity (adjusted relative risk (RR): 4.40, 95% CI: 2.08-9.30, p<0.0001), though the presence of this variant does not always resulted in toxicity (Meulendijks_2015). Experimental evidence evaluating an impact on protein function demonstrated that the variant resulted in a decreased enzyme activity, corresponding to about 75% reduction relative to the WT (Offer_2014), in addition, enzyme activity measured from patient derived peripheral blood mononuclear cells (PBMs) in a compound heterozygous patient was found almost undetectably low (van Kuilenburg 2002). Several Pharmacogenetics groups, including the Clinical Pharmacogenetics Implementation Consortium (CPIC), the Dutch Pharmacogenetics Working Group (DPWG), and the Swiss Group of Pharmacogenomics and Personalised Therapy (SPT), released recent guidelines, considering this variant to be a 'non-functional' allele (with an activity score of 0), and strongly recommending DPYD genotyping for this and a few other variants, prior to the start of therapy with fluoropyrimidines, and a reduction of the initial dose in genotyped-positive patients in order to decrease the risk of fluoropyrimidine-induced toxicity (Caudle_2013, Amstutz_2018, Lunenburg_2020, Hamzic_2020). The following publications have been ascertained in the context of this evaluation (PMID: 29152729, 23988873, 33232506, 30348537, 11895907, 31745289, 15102667, 26603945, 23328581, 32595208, 26265035, 33620159, 11988088). ClinVar contains an entry for this variant (Variation ID: 88975). Based on the evidence outlined above, the variant was classified as pathogenic.

GeneDx
Classification: Pathogenic. Last evaluated: 2025-06-13. Review status: criteria provided, single submitter. Criteria: GeneDx Variant Classification Process June 2021. Collection method: clinical testing. Allele origin: germline. Affected: yes. Not counted in ClinVar's aggregate classification.
Comment: Identified in the heterozygous state in patients with partial DPD deficiency, including patients who experienced 5-FU toxicity during cancer treatment (PMID: 10803677, 26265035); Published functional studies demonstrate that this variant reduces DPD enzyme activity (PMID: 23328581); In silico analysis supports that this missense variant has a deleterious effect on protein structure/function; This variant is associated with the following publications: (PMID: 25381393, 11895907, 19795123, 26603945, 37101114, 26265035, 32595208, 10803677, 23328581, 38225422)

NM_000110.4(DPYD):c.1679T>G (p.Ile560Ser)

Gene: DPYD (dihydropyrimidine dehydrogenase; minus strand). Cytogenetic location: 1p21.3.
Variant type: single nucleotide variant.
Coding change: c.1679T>G on transcript NM_000110.4 (MANE Select); coding-DNA position 1679, T replaced by G.
Protein change: p.Ile560Ser; replaces isoleucine 560 with serine.
Molecular consequence: missense variant.
Genome position (GRCh38, 1-based): chr1:97,515,787, A>C on the plus strand (T>G on the coding strand, the complement: DPYD is on the minus strand). VCF-style: chr1-97515787-A-C. GRCh37 (hg19) VCF-style: chr1-97981343-A-C.
Other names: DPYD*13; short protein forms I560S.
Identifiers: ClinVar variation 88975 (VCV000088975.136), dbSNP rs55886062, ClinGen allele CA228118.